The following is an entry in ClinVar:

NM_000810.4(GABRA5):c.998C>T (p.Ser333Leu)

Gene: GABRA5 (gamma-aminobutyric acid type A receptor subunit alpha5; plus strand). Cytogenetic location: 15q12.
Variant type: single nucleotide variant.
Coding change: c.998C>T on transcript NM_000810.4 (MANE Select); coding-DNA position 998, C replaced by T.
Protein change: p.Ser333Leu; replaces serine 333 with leucine.
Molecular consequence: missense variant.
Genome position (GRCh38, 1-based): chr15:26,943,335, C>T. VCF-style: chr15-26943335-C-T. GRCh37 (hg19) VCF-style: chr15-27188482-C-T.
Other names: c.998C>T (NM_000810.3); c.998C>T, p.Ser333Leu (NM_001165037.2); short protein forms S333L.
Identifiers: ClinVar variation 1385912 (VCV001385912.11), dbSNP rs376507743, ClinGen allele CA7438013.

ClinVar aggregate classification (germline): Uncertain significance. Review status: criteria provided, multiple submitters, no conflicts (2 of 4 stars). 4 submissions from 4 submitters: Uncertain significance (4). Last evaluated 2026-08-06.

Conditions:
Inborn genetic diseases. Identifiers: MedGen C0950123, MeSH D030342.
Developmental and epileptic encephalopathy, 79. Also called: EPILEPTIC ENCEPHALOPATHY, EARLY INFANTILE, 79. Identifiers: MedGen C5231410, MONDO:0032813, OMIM 618559.

Allele frequency attached by ClinVar (database versions not stated): gnomAD exomes below 0.00001 and 0.00002; ExAC 0.00002; ESP Exome Variant Server 0.00008.
gnomAD v4.1: 30 of 1,594,582 alleles (0.0019%); highest among the groups gnomAD compares: Non-Finnish European, 0.0025%; no homozygotes.

Submissions (4):

OLLIN Analises Genomicas, OLLIN
Classification: Uncertain significance. Last evaluated: 2026-08-06. Review status: criteria provided, single submitter. Criteria: ACMG Guidelines 2015 PMID 25741868. Collection method: clinical testing. Allele origin: germline.
Comment: This missense variant, located in exon 10 (of 11), has been reported in ClinVar (accession VCV001385912.10) and in gnomAD with an allele frequency of 0.0019%. However, to our knowledge, it has not been reported in the scientific literature. In silico analysis predicts that this variant has a deleterious effect. This gene is constrained for missense variation. According to the currently available evidence, this variant has been classified as uncertain significance (PP2, PP3_M, BS2).

Ambry Genetics
Classification: Uncertain significance for Inborn genetic diseases. Last evaluated: 2025-08-12. Review status: criteria provided, single submitter. Criteria: Ambry Variant Classification Scheme 2023. Collection method: clinical testing. Allele origin: germline.

Neuberg Centre For Genomic Medicine, NCGM
Classification: Uncertain significance for Developmental and epileptic encephalopathy, 79. Last evaluated: 2023-07-22. Review status: criteria provided, single submitter. Criteria: ACMG Guidelines, 2015. Collection method: clinical testing. Allele origin: germline. Inheritance: Autosomal dominant inheritance. Affected: yes.
Comment: The observed missense c.998C>Tp.Ser333Leu variant in GABRA5 gene has not been reported previously as a pathogenic variant nor as a benign variant, to our knowledge. This variant is reported with the allele frequency of 0.0004% in the gnomAD Exomes. This variant has been reported to the ClinVar database as Uncertain Significance. However, no details are available for independent assessment. The amino acid Ser at position 333 is changed to a Leu changing protein sequence and it might alter its composition and physico-chemical properties. The amino acid change p.Ser333Leu in GABRA5 is predicted as conserved by GERP++ and PhyloP across 100 vertebrates. Multiple lines of computational evidence Polyphen - Damaging, SIFT - Damaging, and MutationTaster - Disease causing predict a damaging effect on protein structure and function for this variant. For these reasons, this variant has been classified as Uncertain Significance.

Labcorp Genetics (formerly Invitae), Labcorp
Classification: Uncertain significance. Last evaluated: 2021-06-25. Review status: criteria provided, single submitter. Criteria: Invitae Variant Classification Sherloc (09022015). Collection method: clinical testing. Allele origin: germline.
Comment: In summary, the available evidence is currently insufficient to determine the role of this variant in disease. Therefore, it has been classified as a Variant of Uncertain Significance. This sequence change replaces serine with leucine at codon 333 of the GABRA5 protein (p.Ser333Leu). The serine residue is moderately conserved and there is a large physicochemical difference between serine and leucine. This variant is present in population databases (rs376507743, ExAC 0.003%). This variant has not been reported in the literature in individuals with GABRA5-related conditions. Algorithms developed to predict the effect of missense changes on protein structure and function are either unavailable or do not agree on the potential impact of this missense change (SIFT: "Deleterious"; PolyPhen-2: "Probably Damaging"; Align-GVGD: "Class C0").